The following is an entry in ClinVar:

ClinVar aggregate classification (germline): Conflicting classifications of pathogenicity. Review status: criteria provided, conflicting classifications (1 of 4 stars). 4 submissions from 4 submitters: Uncertain significance (1); Likely benign (2). 1 of the submissions does not count toward it. Last evaluated 2026-01-25.

Conditions:
PLEKHG5-related disorder. Also called: PLEKHG5-related condition.
Charcot-Marie-Tooth disease recessive intermediate C. Also called: CHARCOT-MARIE-TOOTH NEUROPATHY, RECESSIVE INTERMEDIATE C. Identifiers: Orphanet 369867, MedGen C3809309, MONDO:0014154, OMIM 615376.
Neuronopathy, distal hereditary motor, autosomal recessive 4. Also called: Autosomal recessive lower motor neuron disease with childhood onset; NEUROPATHY, DISTAL HEREDITARY MOTOR, AUTOSOMAL RECESSIVE 4. Identifiers: Orphanet 206580, MedGen C1970211, MONDO:0012608, OMIM 611067.
Inborn genetic diseases. Identifiers: MedGen C0950123, MeSH D030342.

Allele frequency attached by ClinVar (database versions not stated): ExAC 0.00058; ESP Exome Variant Server 0.00131; gnomAD 0.00135 and 0.00137; TOPMed 0.00136; 1000 Genomes Project 30x 0.00328; 1000 Genomes Project 0.00339.
gnomAD v4.1: 446 of 1,613,210 alleles (0.028%); highest among the groups gnomAD compares: African/African-American, 0.49%; 1 homozygote.

Submissions (4):

Labcorp Genetics (formerly Invitae), Labcorp
Classification: Likely benign for Neuronopathy, distal hereditary motor, autosomal recessive 4; Charcot-Marie-Tooth disease recessive intermediate C. Last evaluated: 2026-01-25. Review status: criteria provided, single submitter. Criteria: Invitae Variant Classification Sherloc (09022015). Collection method: clinical testing. Allele origin: germline.

Ambry Genetics
Classification: Likely benign for Inborn genetic diseases. Last evaluated: 2025-08-02. Review status: criteria provided, single submitter. Criteria: Ambry Variant Classification Scheme 2023. Collection method: clinical testing. Allele origin: germline.

GeneDx
Classification: Uncertain significance. Last evaluated: 2025-06-20. Review status: criteria provided, single submitter. Criteria: GeneDx Variant Classification Process June 2021. Collection method: clinical testing. Allele origin: germline. Affected: yes.
Comment: In silico analysis supports that this missense variant has a deleterious effect on protein structure/function; Has not been previously published as pathogenic or benign to our knowledge

PreventionGenetics, part of Exact Sciences
Classification: Likely benign for PLEKHG5-related condition. Last evaluated: 2020-08-25. Review status: no assertion criteria provided. Collection method: clinical testing. Allele origin: germline. Not counted in ClinVar's aggregate classification.
Comment: This variant is classified as likely benign based on ACMG/AMP sequence variant interpretation guidelines (Richards et al. 2015 PMID: 25741868, with internal and published modifications).

NM_020631.6(PLEKHG5):c.509C>T (p.Pro170Leu)

Gene: PLEKHG5 (pleckstrin homology and RhoGEF domain containing G5; minus strand). Cytogenetic location: 1p36.31.
Variant type: single nucleotide variant.
Coding change: c.509C>T on transcript NM_020631.6 (MANE Select); coding-DNA position 509, C replaced by T.
Protein change: p.Pro170Leu; replaces proline 170 with leucine.
Molecular consequence: missense variant.
Genome position (GRCh38, 1-based): chr1:6,474,095, G>A on the plus strand (C>T on the coding strand, the complement: PLEKHG5 is on the minus strand). VCF-style: chr1-6474095-G-A. GRCh37 (hg19) VCF-style: chr1-6534155-G-A.
Other names: c.620C>T, p.Pro207Leu (NM_001042663.3, NM_001265592.2); c.509C>T, p.Pro170Leu (NM_001042664.2, NM_001042665.2, NM_001265594.3 and 1 more transcripts); c.716C>T, p.Pro239Leu (NM_001265593.2); short protein forms P170L, P239L, P207L.
Identifiers: ClinVar variation 468916 (VCV000468916.23), dbSNP rs59117380, ClinGen allele CA561829.
Genomic context (GRCh38, chr1:6,474,095, plus strand): 5'-CGGCTCTGGGCGTCCACACGCTCCAGGGCGGGGGGCCCGGTCCCAGCTGGCCGCAGAATC[G>A]GCAAACTCAGGGACTTGGAGTCCTTCATGCCCTGCTCCACCTTGCCCTCATCTCCAGGCT-3'
Protein context (NP_065682.2, residues 160-180): GMKDSKSLSL[Pro170Leu]ILRPAGTGPP